The following is an entry in ClinVar:

NM_032578.4(MYPN):c.3166T>A (p.Ser1056Thr)

Gene: MYPN (myopalladin; plus strand). Cytogenetic location: 10q21.3.
Variant type: single nucleotide variant.
Coding change: c.3166T>A on transcript NM_032578.4 (MANE Select); coding-DNA position 3166, T replaced by A.
Protein change: p.Ser1056Thr; replaces serine 1056 with threonine.
Molecular consequence: missense variant. On other transcripts: non-coding transcript variant (2).
Genome position (GRCh38, 1-based): chr10:68,197,359, T>A. VCF-style: chr10-68197359-T-A. GRCh37 (hg19) VCF-style: chr10-69957116-T-A.
Other names: c.3166T>A, p.Ser1056Thr (NM_001256267.2); c.2284T>A, p.Ser762Thr (NM_001256268.2); c.3166T>A (NM_032578.2); short protein forms S1056T, S762T.
Identifiers: ClinVar variation 1413480 (VCV001413480.7), dbSNP rs771847142, ClinGen allele CA5522979.

ClinVar aggregate classification (germline): Uncertain significance. Review status: criteria provided, multiple submitters, no conflicts (2 of 4 stars). 2 submissions from 2 submitters: Uncertain significance (2). Last evaluated 2025-06-22.

Conditions:
Cardiovascular phenotype. Identifiers: MedGen CN230736.
Dilated cardiomyopathy 1KK (CMD1KK). Identifiers: Orphanet 154, Orphanet 75249, MedGen C3714995, MONDO:0014100, OMIM 615248.

Allele frequency attached by ClinVar (database versions not stated): gnomAD 0.00001; gnomAD exomes 0.00001; ExAC 0.00002.
gnomAD v4.1: 13 of 1,613,400 alleles (0.00081%); highest among the groups gnomAD compares: South Asian, 0.0088%; no homozygotes.

Submissions (2):

Ambry Genetics
Classification: Uncertain significance for Cardiovascular phenotype. Last evaluated: 2025-06-22. Review status: criteria provided, single submitter. Criteria: Ambry Variant Classification Scheme 2023. Collection method: clinical testing. Allele origin: germline.
Comment: The p.S1056T variant (also known as c.3166T>A), located in coding exon 15 of the MYPN gene, results from a T to A substitution at nucleotide position 3166. The serine at codon 1056 is replaced by threonine, an amino acid with similar properties. This amino acid position is conserved. In addition, this alteration is predicted to be tolerated by in silico analysis. Based on the available evidence, the clinical significance of this variant remains unclear.

Labcorp Genetics (formerly Invitae), Labcorp
Classification: Uncertain significance for Dilated cardiomyopathy 1KK. Last evaluated: 2024-02-17. Review status: criteria provided, single submitter. Criteria: Invitae Variant Classification Sherloc (09022015). Collection method: clinical testing. Allele origin: germline.
Comment: This sequence change replaces serine, which is neutral and polar, with threonine, which is neutral and polar, at codon 1056 of the MYPN protein (p.Ser1056Thr). This variant is present in population databases (rs771847142, gnomAD 0.01%). This variant has not been reported in the literature in individuals affected with MYPN-related conditions. ClinVar contains an entry for this variant (Variation ID: 1413480). An algorithm developed to predict the effect of missense changes on protein structure and function (PolyPhen-2) suggests that this variant is likely to be tolerated. In summary, the available evidence is currently insufficient to determine the role of this variant in disease. Therefore, it has been classified as a Variant of Uncertain Significance.